The following is an entry in ClinVar:

ClinVar aggregate classification (germline): Uncertain significance (1 of 4 stars; one submission).

Conditions:
Cataract 5 multiple types (CTRCT5). Also called: CATARACT, MARNER TYPE; CATARACT 5, LAMELLAR; Lamellar cataract. Identifiers: Orphanet 91492, MedGen C0266537, MONDO:0007290, OMIM 116800, HP:0007971.

Submission:

Labcorp Genetics (formerly Invitae), Labcorp
Classification: Uncertain significance for Cataract 5 multiple types. Last evaluated: 2025-09-09. Review status: criteria provided, single submitter. Criteria: Invitae Variant Classification Sherloc (09022015). Collection method: clinical testing. Allele origin: germline.
Comment: This sequence change replaces histidine, which is basic and polar, with tyrosine, which is neutral and polar, at codon 65 of the HSF4 protein (p.His65Tyr). This variant is not present in population databases (gnomAD no frequency). This missense change has been observed in individual(s) with autosomal dominant bilateral congenital cataract (PMID: 34169787). Invitae Evidence Modeling of protein sequence and biophysical properties (such as structural, functional, and spatial information, amino acid conservation, physicochemical variation, residue mobility, and thermodynamic stability) indicates that this missense variant is expected to disrupt HSF4 protein function with a positive predictive value of 80%. In summary, the available evidence is currently insufficient to determine the role of this variant in disease. Therefore, it has been classified as a Variant of Uncertain Significance.

Literature cited by the submitters: PubMed 34169787.

NM_001374675.1(HSF4):c.193C>T (p.His65Tyr)

Gene: HSF4 (heat shock transcription factor 4; plus strand). Cytogenetic location: 16q22.1.
Variant type: single nucleotide variant.
Coding change: c.193C>T on transcript NM_001374675.1 (MANE Select); coding-DNA position 193, C replaced by T.
Protein change: p.His65Tyr; replaces histidine 65 with tyrosine.
Molecular consequence: missense variant.
Genome position (GRCh38, 1-based): chr16:67,165,591, C>T. VCF-style: chr16-67165591-C-T. GRCh37 (hg19) VCF-style: chr16-67199494-C-T.
Other names: c.193C>T, p.His65Tyr (NM_001040667.3, NM_001374674.1, NM_001538.4); short protein forms H65Y.
Identifiers: ClinVar variation 4735895 (VCV004735895.1).